The following is an entry in ClinVar:

ClinVar aggregate classification (germline): Uncertain significance (1 of 4 stars; one submission).

Conditions:
Tuberous sclerosis 2 (TSC2). Identifiers: Orphanet 805, MedGen C1860707, MONDO:0013199, OMIM 613254.

Submission:

Labcorp Genetics (formerly Invitae), Labcorp
Classification: Uncertain significance for Tuberous sclerosis 2. Last evaluated: 2023-10-28. Review status: criteria provided, single submitter. Criteria: Invitae Variant Classification Sherloc (09022015). Collection method: clinical testing. Allele origin: germline.
Comment: This sequence change replaces glycine, which is neutral and non-polar, with glutamic acid, which is acidic and polar, at codon 1551 of the TSC2 protein (p.Gly1551Glu). This variant is not present in population databases (gnomAD no frequency). This variant has not been reported in the literature in individuals affected with TSC2-related conditions. Advanced modeling of protein sequence and biophysical properties (such as structural, functional, and spatial information, amino acid conservation, physicochemical variation, residue mobility, and thermodynamic stability) has been performed at Invitae for this missense variant, however the output from this modeling did not meet the statistical confidence thresholds required to predict the impact of this variant on TSC2 protein function. In summary, the available evidence is currently insufficient to determine the role of this variant in disease. Therefore, it has been classified as a Variant of Uncertain Significance.

NM_000548.5(TSC2):c.4652G>A (p.Gly1551Glu)

Gene: TSC2 (TSC complex subunit 2; plus strand). Cytogenetic location: 16p13.3.
Variant type: single nucleotide variant.
Coding change: c.4652G>A on transcript NM_000548.5 (MANE Select); coding-DNA position 4652, G replaced by A.
Protein change: p.Gly1551Glu; replaces glycine 1551 with glutamic acid.
Molecular consequence: missense variant. On other transcripts: non-coding transcript variant (5).
Genome position (GRCh38, 1-based): chr16:2,085,312, G>A. VCF-style: chr16-2085312-G-A. GRCh37 (hg19) VCF-style: chr16-2135313-G-A.
Other names: c.4451G>A, p.Gly1484Glu (NM_001077183.3); c.4583G>A, p.Gly1528Glu (NM_001114382.3); c.4343G>A, p.Gly1448Glu (NM_001318827.2); c.4307G>A, p.Gly1436Glu (NM_001318829.2); c.3920G>A, p.Gly1307Glu (NM_001318831.2); c.4484G>A, p.Gly1495Glu (NM_001318832.2); c.4454G>A, p.Gly1485Glu (NM_001363528.2); c.4520G>A, p.Gly1507Glu (NM_001370404.1); and 26 more; short protein forms G1059E, G1060E, G1331E, G1447E, G1448E, G1485E, G1491E, G1507E.
Identifiers: ClinVar variation 2772414 (VCV002772414.3), dbSNP rs2151553490, ClinGen allele CA394305026.